The following is an entry in ClinVar:

NM_005188.4(CBL):c.2635G>T (p.Val879Phe)

Gene: CBL (Cbl proto-oncogene; plus strand). Cytogenetic location: 11q23.3.
Variant type: single nucleotide variant.
Coding change: c.2635G>T on transcript NM_005188.4 (MANE Select); coding-DNA position 2635, G replaced by T.
Protein change: p.Val879Phe; replaces valine 879 with phenylalanine.
Molecular consequence: missense variant.
Genome position (GRCh38, 1-based): chr11:119,299,695, G>T. VCF-style: chr11-119299695-G-T. GRCh37 (hg19) VCF-style: chr11-119170405-G-T.
Other names: short protein forms V879F.
Identifiers: ClinVar variation 3616812 (VCV003616812.2).

ClinVar aggregate classification (germline): Uncertain significance (1 of 4 stars; one submission).

Conditions:
RASopathy. Also called: rasopathies; Noonan spectrum disorder. Identifiers: Orphanet 536391, MedGen C5555857, MONDO:0021060.

gnomAD v4.1: 3 of 1,614,144 alleles (0.00019%); highest among the groups gnomAD compares: Non-Finnish European, 0.00025%; no homozygotes.

Submission:

Labcorp Genetics (formerly Invitae), Labcorp
Classification: Uncertain significance for RASopathy. Last evaluated: 2024-05-05. Review status: criteria provided, single submitter. Criteria: Invitae Variant Classification Sherloc (09022015). Collection method: clinical testing. Allele origin: germline.
Comment: This sequence change replaces valine, which is neutral and non-polar, with phenylalanine, which is neutral and non-polar, at codon 879 of the CBL protein (p.Val879Phe). This variant is present in population databases (rs776316491, gnomAD 0.0009%). This variant has not been reported in the literature in individuals affected with CBL-related conditions. Advanced modeling of protein sequence and biophysical properties (such as structural, functional, and spatial information, amino acid conservation, physicochemical variation, residue mobility, and thermodynamic stability) performed at Invitae indicates that this missense variant is not expected to disrupt CBL protein function with a negative predictive value of 95%. In summary, the available evidence is currently insufficient to determine the role of this variant in disease. Therefore, it has been classified as a Variant of Uncertain Significance.